The following is an entry in ClinVar:

NM_177438.3(DICER1):c.1933C>T (p.Pro645Ser)

Gene: DICER1 (dicer 1, ribonuclease III; minus strand). Cytogenetic location: 14q32.13.
Variant type: single nucleotide variant.
Coding change: c.1933C>T on transcript NM_177438.3 (MANE Select); coding-DNA position 1933, C replaced by T.
Protein change: p.Pro645Ser; replaces proline 645 with serine.
Molecular consequence: missense variant.
Genome position (GRCh38, 1-based): chr14:95,113,199, G>A on the plus strand (C>T on the coding strand, the complement: DICER1 is on the minus strand). VCF-style: chr14-95113199-G-A. GRCh37 (hg19) VCF-style: chr14-95579536-G-A.
Other names: c.1933C>T, p.Pro645Ser (NM_001195573.1, NM_001271282.3, NM_001291628.2 and 1 more transcripts); short protein forms P645S.
Identifiers: ClinVar variation 934407 (VCV000934407.13), dbSNP rs1892138157, ClinGen allele CA390883475.

ClinVar aggregate classification (germline): Uncertain significance. Review status: criteria provided, multiple submitters, no conflicts (2 of 4 stars). 3 submissions from 3 submitters: Uncertain significance (3). Last evaluated 2024-09-09.

Conditions:
Hereditary cancer-predisposing syndrome. Also called: Tumor predisposition; Hereditary neoplastic syndrome; Neoplastic Syndromes, Hereditary; Hereditary Cancer Syndrome. Identifiers: Orphanet 140162, MedGen C0027672, MeSH D009386, MONDO:0015356.
Global developmental delay - lung cysts - overgrowth - Wilms tumor syndrome. Also called: GLOBAL DEVELOPMENTAL DELAY, LUNG CYSTS, OVERGROWTH, AND WILMS TUMOR; GLOW Syndrome. Identifiers: Orphanet 404476, MedGen C4748924, MONDO:0018445, OMIM 618272.
DICER1-related tumor predisposition. Also called: DICER1 syndrome; DICER1-related pleuropulmonary blastoma cancer predisposition syndrome. Identifiers: Orphanet 284343, MedGen C3839822, MONDO:0100216.

Submissions (3):

Ambry Genetics
Classification: Uncertain significance for Hereditary cancer-predisposing syndrome. Last evaluated: 2024-09-09. Review status: criteria provided, single submitter. Criteria: Ambry Variant Classification Scheme 2023. Collection method: clinical testing. Allele origin: germline.
Comment: The p.P645S variant (also known as c.1933C>T), located in coding exon 11 of the DICER1 gene, results from a C to T substitution at nucleotide position 1933. The proline at codon 645 is replaced by serine, an amino acid with similar properties. This amino acid position is highly conserved in available vertebrate species. In addition, the in silico prediction for this alteration is inconclusive. Based on the available evidence, the clinical significance of this variant remains unclear.

Labcorp Genetics (formerly Invitae), Labcorp
Classification: Uncertain significance for DICER1-related tumor predisposition. Last evaluated: 2024-07-30. Review status: criteria provided, single submitter. Criteria: Invitae Variant Classification Sherloc (09022015). Collection method: clinical testing. Allele origin: germline.
Comment: This sequence change replaces proline, which is neutral and non-polar, with serine, which is neutral and polar, at codon 645 of the DICER1 protein (p.Pro645Ser). This variant is not present in population databases (gnomAD no frequency). This variant has not been reported in the literature in individuals affected with DICER1-related conditions. ClinVar contains an entry for this variant (Variation ID: 934407). Advanced modeling of protein sequence and biophysical properties (such as structural, functional, and spatial information, amino acid conservation, physicochemical variation, residue mobility, and thermodynamic stability) performed at Invitae indicates that this missense variant is not expected to disrupt DICER1 protein function with a negative predictive value of 80%. In summary, the available evidence is currently insufficient to determine the role of this variant in disease. Therefore, it has been classified as a Variant of Uncertain Significance.

Baylor Genetics
Classification: Uncertain significance for Global developmental delay - lung cysts - overgrowth - Wilms tumor syndrome. Last evaluated: 2024-02-23. Review status: criteria provided, single submitter. Criteria: ACMG Guidelines, 2015. Collection method: clinical testing. Allele origin: unknown.